The following is an entry in ClinVar:

ClinVar aggregate classification (germline): Uncertain significance (1 of 4 stars; one submission).

gnomAD v4.1: 4 of 1,574,570 alleles (0.00025%); highest among the groups gnomAD compares: Non-Finnish European, 0.00034%; no homozygotes.

Submission:

GeneDx
Classification: Uncertain significance. Last evaluated: 2016-07-29. Review status: criteria provided, single submitter. Criteria: GeneDx Variant Classification (06012015). Collection method: clinical testing. Allele origin: germline. Affected: yes.
Comment: A variant of uncertain significance has been identified in the PRICKLE1 gene. The K304E variant has not been published as a pathogenic variant, nor has it been reported as a benign variant to our knowledge. It was not observed in approximately 6,500 individuals of European and African American ancestry in the NHLBI Exome Sequencing Project, indicating it is not a common benign variant in these populations. The K304E variant is a non-conservative amino acid substitution, which is likely to impact secondary protein structure as these residues differ in polarity, charge, size and/or other properties. This substitution occurs at a position that is conserved across species. However, in silico analysis is inconsistent in its predictions as to whether or not the variant is damaging to the protein structure/function. Therefore, based on the currently available information, it is unclear whether this variant is a pathogenic variant or a rare benign variant.

NM_153026.3(PRICKLE1):c.910A>G (p.Lys304Glu)

Genes: PRICKLE1 (prickle planar cell polarity protein 1; minus strand), LOC126861509 (BRD4-independent group 4 enhancer GRCh37_chr12:42858567-42859766; plus strand). Cytogenetic location: 12q12.
Variant type: single nucleotide variant.
Coding change: c.910A>G on transcript NM_153026.3 (MANE Select); coding-DNA position 910, A replaced by G.
Protein change: p.Lys304Glu; replaces lysine 304 with glutamic acid.
Molecular consequence: missense variant.
Genome position (GRCh38, 1-based): chr12:42,465,124, T>C on the plus strand (A>G on the coding strand, the complement: PRICKLE1 is on the minus strand). VCF-style: chr12-42465124-T-C. GRCh37 (hg19) VCF-style: chr12-42858926-T-C.
Other names: p.K304E:AAA>GAA; c.910A>G, p.Lys304Glu (NM_001144881.2, NM_001144882.2, NM_001144883.2); short protein forms K304E.
Identifiers: ClinVar variation 206663 (VCV000206663.2), dbSNP rs202205425, ClinGen allele CA316980.